The following is an entry in ClinVar:

NM_000969.5(RPL5):c.46_47del (p.Tyr16fs)

Genes: DIPK1A (divergent protein kinase domain 1A; minus strand), RPL5 (ribosomal protein L5; plus strand). Cytogenetic location: 1p22.1.
Variant type: Deletion.
Coding change: c.46_47del on transcript NM_000969.5 (MANE Select); coding-DNA positions 46 to 47, 2 bases deleted (TA; older notation c.46_47delTA).
Protein change: p.Tyr16fs; shifts the reading frame from tyrosine 16.
Molecular consequence: frameshift variant. On other transcripts: non-coding transcript variant (1), intron variant (1).
Genome position (GRCh38, 1-based): chr1:92,833,431-92,833,432, TA deleted; deleting any 2 consecutive bases within chr1:92,833,430-92,833,432 gives the same sequence; the c. name uses the placement nearest the transcript's 3' end. VCF-style (leftmost placement, unchanged base first): chr1-92833429-GAT-G. GRCh37 (hg19) VCF-style: chr1-93298986-GAT-G.
Other names: c.475-397_475-396del (NM_001252273.2); short protein forms Y16fs.
Identifiers: ClinVar variation 2503388 (VCV002503388.1), dbSNP rs2524447710, ClinGen allele CA2558027748.
Genomic context (GRCh38, chr1:92,833,429, plus strand): 5'-AACATTCTTTTTTCTTTAAGGGGTTTGTTAAAGTTGTTAAGAATAAGGCCTACTTTAAGA[GAT>G]ACCAAGTGAAATTTAGAAGACGACGAGGTACTGTCACCTTTTTGTGTTTACAATATTAAT-3'

ClinVar aggregate classification (germline): Pathogenic (1 of 4 stars; one submission).

Submission:

GeneDx
Classification: Pathogenic. Last evaluated: 2022-11-29. Review status: criteria provided, single submitter. Criteria: GeneDx Variant Classification Process June 2021. Collection method: clinical testing. Allele origin: germline. Affected: yes.
Comment: Frameshift variant predicted to result in protein truncation or nonsense mediated decay in a gene for which loss of function is a known mechanism of disease; Not observed at significant frequency in large population cohorts (gnomAD); Has not been previously published as pathogenic or benign to our knowledge